The following is an entry in ClinVar:

ClinVar aggregate classification (germline): Uncertain significance (1 of 4 stars; one submission).

Submissions (2):

Labcorp Genetics (formerly Invitae), Labcorp
Classification: Uncertain significance. Last evaluated: 2022-08-23. Review status: criteria provided, single submitter. Criteria: Invitae Variant Classification Sherloc (09022015). Collection method: clinical testing. Allele origin: germline.
Comment: In summary, the available evidence is currently insufficient to determine the role of this variant in disease. Therefore, it has been classified as a Variant of Uncertain Significance. This sequence change creates a premature translational stop signal (p.Arg1011*) in the ATP1A1 gene. While this is not anticipated to result in nonsense mediated decay, it is expected to disrupt the last 13 amino acid(s) of the ATP1A1 protein. This variant is not present in population databases (gnomAD no frequency). This variant has not been reported in the literature in individuals affected with ATP1A1-related conditions. Algorithms developed to predict the effect of sequence changes on RNA splicing suggest that this variant may create or strengthen a splice site.

Dr. Peter K. Rogan Lab, Western University
No classification provided (evidence only). Condition: Hepatocellular carcinoma. Review status: no classification provided. Collection method: in vitro. Allele origin: not applicable. Functional consequence: cryptic splice site, retained intron. Not counted in ClinVar's aggregate classification.

NM_000701.8(ATP1A1):c.3031C>T (p.Arg1011Ter)

Genes: ATP1A1-AS1 (ATP1A1 antisense RNA 1; minus strand), ATP1A1 (ATPase Na+/K+ transporting subunit alpha 1; plus strand). Cytogenetic location: 1p13.1.
Variant type: single nucleotide variant.
Coding change: c.3031C>T on transcript NM_000701.8 (MANE Select); coding-DNA position 3031, C replaced by T.
Protein change: p.Arg1011Ter; replaces arginine 1011 with a stop codon.
Molecular consequence: nonsense.
Genome position (GRCh38, 1-based): chr1:116,403,963, C>T. VCF-style: chr1-116403963-C-T. GRCh37 (hg19) VCF-style: chr1-116946585-C-T.
Other names: c.3031C>T, p.Arg1011Ter (NM_001160233.2); c.2938C>T, p.Arg980Ter (NM_001160234.2); short protein forms R980*, R1011*.
Identifiers: ClinVar variation 2026606 (VCV002026606.5), dbSNP rs2525907832, ClinGen allele CA341777475.